The following is an entry in ClinVar:

ClinVar aggregate classification (germline): Uncertain significance (1 of 4 stars; one submission).

gnomAD v4.1: 2 of 1,168,421 alleles (0.00017%); highest among the groups gnomAD compares: Admixed American, 0.0051%; no homozygotes.

Submission:

Ambry Genetics
Classification: Uncertain significance. Last evaluated: 2026-02-16. Review status: criteria provided, single submitter. Criteria: Ambry Variant Classification Scheme 2023. Collection method: clinical testing. Allele origin: germline.
Comment: The c.1543A>C (p.M515L) alteration is located in exon 14 (coding exon 13) of the PASD1 gene. This alteration results from a A to C substitution at nucleotide position 1543, causing the methionine (M) at amino acid position 515 to be replaced by a leucine (L). Based on data from gnomAD, the C allele has an overall frequency of 0.001% (1/116537) total alleles studied. The highest observed frequency was 0.005% (1/19623) of Latino alleles. Based on insufficient or conflicting evidence, the clinical significance of this alteration remains unclear.

NM_173493.3(PASD1):c.1543A>C (p.Met515Leu)

Gene: PASD1 (PAS domain containing repressor 1; plus strand). Cytogenetic location: Xq28.
Variant type: single nucleotide variant.
Coding change: c.1543A>C on transcript NM_173493.3 (MANE Select); coding-DNA position 1543, A replaced by C.
Protein change: p.Met515Leu; replaces methionine 515 with leucine.
Molecular consequence: missense variant.
Genome position (GRCh38, 1-based): chrX:151,672,288, A>C. VCF-style: chrX-151672288-A-C. GRCh37 (hg19) VCF-style: chrX-150840760-A-C.
Other names: short protein forms M515L.
Identifiers: ClinVar variation 4830170 (VCV004830170.1).